The following is an entry in ClinVar:

NM_000260.4(MYO7A):c.638T>A (p.Phe213Tyr)

Gene: MYO7A (myosin VIIA; plus strand). Cytogenetic location: 11q13.5.
Variant type: single nucleotide variant.
Coding change: c.638T>A on transcript NM_000260.4 (MANE Select); coding-DNA position 638, T replaced by A.
Protein change: p.Phe213Tyr; replaces phenylalanine 213 with tyrosine.
Molecular consequence: missense variant.
Genome position (GRCh38, 1-based): chr11:77,156,907, T>A. VCF-style: chr11-77156907-T-A. GRCh37 (hg19) VCF-style: chr11-76867953-T-A.
Other names: c.638T>A, p.Phe213Tyr (NM_001127180.2); c.605T>A, p.Phe202Tyr (NM_001369365.1); short protein forms F213Y, F202Y.
Identifiers: ClinVar variation 941135 (VCV000941135.5), dbSNP rs1555062954, ClinGen allele CA381932107.

ClinVar aggregate classification (germline): Uncertain significance. Review status: criteria provided, multiple submitters, no conflicts (2 of 4 stars). 2 submissions from 2 submitters: Uncertain significance (2). Last evaluated 2021-10-06.

Conditions:
Autosomal dominant nonsyndromic hearing loss 11. Identifiers: Orphanet 90635, MedGen C1832475, MONDO:0011032, OMIM 601317.
Autosomal recessive nonsyndromic hearing loss 2. Also called: NEUROSENSORY NONSYNDROMIC RECESSIVE DEAFNESS 2; DEAFNESS, AUTOSOMAL RECESSIVE 2. Identifiers: Orphanet 90636, MedGen C1838701, MONDO:0010807, OMIM 600060.
Usher syndrome type 1 (USH1). Also called: RETINITIS PIGMENTOSA AND CONGENITAL DEAFNESS. Identifiers: Orphanet 231169, Orphanet 886, MedGen C1568247, MONDO:0010168, OMIM 276900.

Allele frequency attached by ClinVar (database versions not stated): gnomAD exomes below 0.00001 and 0.00001.
gnomAD v4.1: 2 of 1,614,024 alleles (0.00012%); highest among the groups gnomAD compares: East Asian, 0.0045%; no homozygotes.

Submissions (2):

Fulgent Genetics
Classification: Uncertain significance for Usher syndrome type 1; Autosomal recessive nonsyndromic hearing loss 2; Autosomal dominant nonsyndromic hearing loss 11. Last evaluated: 2021-10-06. Review status: criteria provided, single submitter. Criteria: ACMG Guidelines, 2015. Collection method: clinical testing. Allele origin: unknown.

Labcorp Genetics (formerly Invitae), Labcorp
Classification: Uncertain significance. Last evaluated: 2021-09-01. Review status: criteria provided, single submitter. Criteria: Invitae Variant Classification Sherloc (09022015). Collection method: clinical testing. Allele origin: germline.
Comment: This sequence change replaces phenylalanine with tyrosine at codon 213 of the MYO7A protein (p.Phe213Tyr). The phenylalanine residue is highly conserved and there is a small physicochemical difference between phenylalanine and tyrosine. This variant is not present in population databases (ExAC no frequency). This variant has not been reported in the literature in individuals affected with MYO7A-related conditions. Algorithms developed to predict the effect of missense changes on protein structure and function are either unavailable or do not agree on the potential impact of this missense change (SIFT: "Deleterious"; PolyPhen-2: "Probably Damaging"; Align-GVGD: "Class C0"). In summary, the available evidence is currently insufficient to determine the role of this variant in disease. Therefore, it has been classified as a Variant of Uncertain Significance.